The following is an entry in ClinVar:

ClinVar aggregate classification (germline): Likely benign (1 of 4 stars; one submission).

Allele frequency attached by ClinVar (database versions not stated): ExAC 0.00005; gnomAD 0.00005; TOPMed 0.00005; 1000 Genomes Project 30x 0.00016; 1000 Genomes Project 0.00020.
gnomAD v4.1: 43 of 1,613,092 alleles (0.0027%); highest among the groups gnomAD compares: Middle Eastern, 0.016%; no homozygotes.

Submission:

GeneDx
Classification: Likely benign. Last evaluated: 2021-01-11. Review status: criteria provided, single submitter. Criteria: GeneDx Variant Classification Process June 2021. Collection method: clinical testing. Allele origin: germline. Affected: yes.
Comment: In silico analysis supports that this missense variant does not alter protein structure/function; Has not been previously published as pathogenic or benign to our knowledge

NM_001145809.2(MYH14):c.1082G>A (p.Arg361Gln)

Gene: MYH14 (myosin heavy chain 14; plus strand). Cytogenetic location: 19q13.33.
Variant type: single nucleotide variant.
Coding change: c.1082G>A on transcript NM_001145809.2 (MANE Select); coding-DNA position 1082, G replaced by A.
Protein change: p.Arg361Gln; replaces arginine 361 with glutamine.
Molecular consequence: missense variant.
Genome position (GRCh38, 1-based): chr19:50,232,038, G>A. VCF-style: chr19-50232038-G-A. GRCh37 (hg19) VCF-style: chr19-50735295-G-A.
Other names: c.1082G>A, p.Arg361Gln (NM_001077186.2); c.1058G>A, p.Arg353Gln (NM_024729.4); short protein forms R353Q, R361Q.
Identifiers: ClinVar variation 1200983 (VCV001200983.3), dbSNP rs139215122, ClinGen allele CA9592493.